The following is an entry in ClinVar:

NM_007192.4(SUPT16H):c.1955T>G (p.Val652Gly)

Gene: SUPT16H (SPT16 homolog, facilitates chromatin remodeling subunit; minus strand). Cytogenetic location: 14q11.2.
Variant type: single nucleotide variant.
Coding change: c.1955T>G on transcript NM_007192.4 (MANE Select); coding-DNA position 1955, T replaced by G.
Protein change: p.Val652Gly; replaces valine 652 with glycine.
Molecular consequence: missense variant.
Genome position (GRCh38, 1-based): chr14:21,360,947, A>C on the plus strand (T>G on the coding strand, the complement: SUPT16H is on the minus strand). VCF-style: chr14-21360947-A-C. GRCh37 (hg19) VCF-style: chr14-21829106-A-C.
Other names: short protein forms V652G.
Identifiers: ClinVar variation 5036948 (VCV005036948.1).

ClinVar aggregate classification (germline): Uncertain significance (1 of 4 stars; one submission).

Submission:

GeneDx
Classification: Uncertain significance. Last evaluated: 2026-04-01. Review status: criteria provided, single submitter. Criteria: GeneDx Variant Classification Process June 2021. Collection method: clinical testing. Allele origin: germline.
Comment: Not observed at significant frequency in large population cohorts (gnomAD); In silico analysis supports that this missense variant has a deleterious effect on protein structure/function; Has not been previously published as pathogenic or benign to our knowledge